The following is an entry in ClinVar:

ClinVar aggregate classification (germline): Uncertain significance (1 of 4 stars; one submission).

gnomAD v4.1: 1 of 1,612,390 alleles (0.000062%); highest among the groups gnomAD compares: Admixed American, 0.0017%; no homozygotes.

Submission:

Labcorp Genetics (formerly Invitae), Labcorp
Classification: Uncertain significance. Last evaluated: 2022-09-23. Review status: criteria provided, single submitter. Criteria: Invitae Variant Classification Sherloc (09022015). Collection method: clinical testing. Allele origin: germline.
Comment: This sequence change replaces arginine, which is basic and polar, with leucine, which is neutral and non-polar, at codon 37 of the RBP4 protein (p.Arg37Leu). This variant is not present in population databases (gnomAD no frequency). This variant has not been reported in the literature in individuals affected with RBP4-related conditions. ClinVar contains an entry for this variant (Variation ID: 1476907). Algorithms developed to predict the effect of missense changes on protein structure and function are either unavailable or do not agree on the potential impact of this missense change (SIFT: "Deleterious"; PolyPhen-2: "Benign"; Align-GVGD: "Class C0"). In summary, the available evidence is currently insufficient to determine the role of this variant in disease. Therefore, it has been classified as a Variant of Uncertain Significance.

NM_006744.4(RBP4):c.110G>T (p.Arg37Leu)

Gene: RBP4 (retinol binding protein 4; minus strand). Cytogenetic location: 10q23.33.
Variant type: single nucleotide variant.
Coding change: c.110G>T on transcript NM_006744.4 (MANE Select); coding-DNA position 110, G replaced by T.
Protein change: p.Arg37Leu; replaces arginine 37 with leucine.
Molecular consequence: missense variant.
Genome position (GRCh38, 1-based): chr10:93,600,919, C>A on the plus strand (G>T on the coding strand, the complement: RBP4 is on the minus strand). VCF-style: chr10-93600919-C-A. GRCh37 (hg19) VCF-style: chr10-95360676-C-A.
Other names: c.110G>T, p.Arg37Leu (NM_001323517.1); c.104G>T, p.Arg35Leu (NM_001323518.2); short protein forms R35L, R37L.
Identifiers: ClinVar variation 1476907 (VCV001476907.6), dbSNP rs1049674420, ClinGen allele CA377618635.